The following is an entry in ClinVar:

ClinVar aggregate classification (germline): Uncertain significance. Review status: criteria provided, multiple submitters, no conflicts (2 of 4 stars). 2 submissions from 2 submitters: Uncertain significance (2). Last evaluated 2021-11-09.

Conditions:
Brugada syndrome. Also called: Sudden unexpected nocturnal death syndrome; Sudden Unexplained Death Syndrome; Sudden Unexplained Nocturnal Death Syndrome (SUNDS); Sudden unexplained nocturnal death syndrome. Identifiers: Orphanet 130, MedGen C1142166, MONDO:0015263.

Submissions (2):

Ambry Genetics
Classification: Uncertain significance. Last evaluated: 2021-11-09. Review status: criteria provided, single submitter. Criteria: Ambry Variant Classification Scheme 2023. Collection method: clinical testing. Allele origin: germline.
Comment: The p.S86R variant (also known as c.258T>G), located in coding exon 2 of the SLMAP gene, results from a T to G substitution at nucleotide position 258. The serine at codon 86 is replaced by arginine, an amino acid with dissimilar properties. This amino acid position is conserved. In addition, the in silico prediction for this alteration is inconclusive. Since supporting evidence is limited at this time, the clinical significance of this alteration remains unclear.

Labcorp Genetics (formerly Invitae), Labcorp
Classification: Uncertain significance for Brugada syndrome. Last evaluated: 2019-09-05. Review status: criteria provided, single submitter. Criteria: Invitae Variant Classification Sherloc (09022015). Collection method: clinical testing. Allele origin: germline.
Comment: This sequence change replaces serine with arginine at codon 86 of the SLMAP protein (p.Ser86Arg). The serine residue is moderately conserved and there is a moderate physicochemical difference between serine and arginine. This variant is not present in population databases (ExAC no frequency). This variant has not been reported in the literature in individuals with SLMAP-related conditions. Algorithms developed to predict the effect of missense changes on protein structure and function are either unavailable or do not agree on the potential impact of this missense change (SIFT: "Tolerated"; PolyPhen-2: "Probably Damaging"; Align-GVGD: "Class C0"). In summary, the available evidence is currently insufficient to determine the role of this variant in disease. Therefore, it has been classified as a Variant of Uncertain Significance.

NM_001377540.1(SLMAP):c.258T>G (p.Ser86Arg)

Gene: SLMAP (sarcolemma associated protein; plus strand). Cytogenetic location: 3p14.3.
Variant type: single nucleotide variant.
Coding change: c.258T>G on transcript NM_001377540.1 (MANE Select); coding-DNA position 258, T replaced by G.
Protein change: p.Ser86Arg; replaces serine 86 with arginine.
Molecular consequence: missense variant. On other transcripts: non-coding transcript variant (1).
Genome position (GRCh38, 1-based): chr3:57,831,442, T>G. VCF-style: chr3-57831442-T-G. GRCh37 (hg19) VCF-style: chr3-57817169-T-G.
Other names: c.258T>G, p.Ser86Arg (NM_001304420.3, NM_001304421.2, NM_001377538.1 and 17 more transcripts); short protein forms S86R.
Identifiers: ClinVar variation 960612 (VCV000960612.9), dbSNP rs2093332186, ClinGen allele CA353404197.
Genomic context (GRCh38, chr3:57,831,442, plus strand): 5'-GTTTTATCTTCAAGACACTAAAAGTAGTAATGGTACTTTTATAAATAGCCAGAGATTGAG[T>G]CGAGGCTCTGAAGAAAGTCCACCATGTGAAATTCTTTCCGGTGACATTATCCAGTTTGGA-3'
Protein context (NP_001364469.1, residues 76-96): NGTFINSQRL[Ser86Arg]RGSEESPPCE